The following is an entry in ClinVar:

ClinVar aggregate classification (germline): Uncertain significance (1 of 4 stars; one submission).

Conditions:
Cardiovascular phenotype. Identifiers: MedGen CN230736.

Submission:

Ambry Genetics
Classification: Uncertain significance for Cardiovascular phenotype. Last evaluated: 2025-05-06. Review status: criteria provided, single submitter. Criteria: Ambry Variant Classification Scheme 2023. Collection method: clinical testing. Allele origin: germline.
Comment: The p.L315P variant (also known as c.944T>C), located in coding exon 1 of the FOXE3 gene, results from a T to C substitution at nucleotide position 944. The leucine at codon 315 is replaced by proline, an amino acid with similar properties. This amino acid position is conserved. In addition, the in silico prediction for this alteration is inconclusive. Based on the available evidence, the clinical significance of this variant remains unclear.

NM_012186.3(FOXE3):c.944T>C (p.Leu315Pro)

Genes: FOXE3 (forkhead box E3; plus strand), LINC01389 (long intergenic non-protein coding RNA 1389; minus strand). Cytogenetic location: 1p33.
Variant type: single nucleotide variant.
Coding change: c.944T>C on transcript NM_012186.3 (MANE Select); coding-DNA position 944, T replaced by C.
Protein change: p.Leu315Pro; replaces leucine 315 with proline.
Molecular consequence: missense variant.
Genome position (GRCh38, 1-based): chr1:47,417,259, T>C. VCF-style: chr1-47417259-T-C. GRCh37 (hg19) VCF-style: chr1-47882931-T-C.
Other names: short protein forms L315P.
Identifiers: ClinVar variation 4026309 (VCV004026309.1).